The following is an entry in ClinVar:

ClinVar aggregate classification (germline): Likely benign. Review status: criteria provided, single submitter (1 of 4 stars). 2 submissions from 2 submitters: Likely benign (1). 1 of the submissions does not count toward it. Last evaluated 2026-03-27.

Conditions:
TECRL-related disorder. Also called: TECRL-related condition.

Allele frequency attached by ClinVar (database versions not stated): ExAC 0.00015; gnomAD 0.00005; gnomAD exomes 0.00008; TOPMed 0.00008.
gnomAD v4.1: 100 of 1,354,268 alleles (0.0074%); highest among the groups gnomAD compares: South Asian, 0.031%; no homozygotes.

Submissions (2):

Molecular Diagnostic Laboratory for Inherited Cardiovascular Disease, Montreal Heart Institute
Classification: Likely benign. Last evaluated: 2026-03-27. Review status: criteria provided, single submitter. Criteria: ACMG Guidelines, 2015. Collection method: clinical testing. Allele origin: germline. Affected: no.
Comment: BP4

PreventionGenetics, part of Exact Sciences
Classification: Likely benign for TECRL-related condition. Last evaluated: 2019-06-25. Review status: no assertion criteria provided. Collection method: clinical testing. Allele origin: germline. Not counted in ClinVar's aggregate classification.
Comment: This variant is classified as likely benign based on ACMG/AMP sequence variant interpretation guidelines (Richards et al. 2015 PMID: 25741868, with internal and published modifications).

NM_001010874.5(TECRL):c.235-10T>C

Gene: TECRL (trans-2,3-enoyl-CoA reductase like; minus strand). Cytogenetic location: 4q13.1.
Variant type: single nucleotide variant.
Coding change: c.235-10T>C on transcript NM_001010874.5 (MANE Select); 10 bases into the intron before coding-DNA position 235, T replaced by C.
Molecular consequence: intron variant.
Genome position (GRCh38, 1-based): chr4:64,375,233, A>G on the plus strand (T>C on the coding strand, the complement: TECRL is on the minus strand). VCF-style: chr4-64375233-A-G. GRCh37 (hg19) VCF-style: chr4-65240951-A-G.
Other names: c.235-10T>C (NM_001363796.1).
Identifiers: ClinVar variation 3042725 (VCV003042725.3), dbSNP rs780972069, ClinGen allele CA2935637.